The following is an entry in ClinVar:

ClinVar aggregate classification (germline): Conflicting classifications of pathogenicity. Review status: criteria provided, conflicting classifications (1 of 4 stars). 10 submissions from 10 submitters: Uncertain significance (2); Benign (2); Likely benign (4). 2 of the submissions do not count toward it. Last evaluated 2026-07-01.

Conditions:
Cardiovascular phenotype. Identifiers: MedGen CN230736.
Autosomal recessive limb-girdle muscular dystrophy type 2J (LGMDR10). Also called: Limb-girdle muscular dystrophy, type 2J; MUSCULAR DYSTROPHY, LIMB-GIRDLE, AUTOSOMAL RECESSIVE 10. Identifiers: Orphanet 140922, MedGen C1837342, MONDO:0012127, OMIM 608807.
Dilated cardiomyopathy 1G (CMD1G). Identifiers: Orphanet 154, MedGen C1858763, MONDO:0011400, OMIM 604145.
Cardiomyopathy (CMYO). Also called: Cardiomyopathies. Identifiers: Orphanet 167848, MedGen C0878544, MONDO:0004994, HP:0001638. Inheritance: Various modes of inheritance.

Allele frequency attached by ClinVar (database versions not stated): gnomAD 0.00008 and 0.00010; TOPMed 0.00015; gnomAD exomes 0.00018 and 0.00031; 1000 Genomes Project 30x 0.00031; ExAC 0.00032; 1000 Genomes Project 0.00040.
gnomAD v4.1: 297 of 1,613,900 alleles (0.018%); highest among the groups gnomAD compares: Middle Eastern, 0.21%; 3 homozygotes.

Submissions (10):

CeGaT Center for Human Genetics Tuebingen
Classification: Likely benign. Last evaluated: 2026-07-01. Review status: criteria provided, single submitter. Criteria: CeGaT Center For Human Genetics Tuebingen Variant Classification Criteria Version 2. Collection method: clinical testing. Allele origin: germline. Affected: yes. Observed: 8 variant alleles.
Comment: TTN: BP4

Labcorp Genetics (formerly Invitae), Labcorp
Classification: Likely benign for Dilated cardiomyopathy 1G; Autosomal recessive limb-girdle muscular dystrophy type 2J. Last evaluated: 2026-01-04. Review status: criteria provided, single submitter. Criteria: Invitae Variant Classification Sherloc (09022015). Collection method: clinical testing. Allele origin: germline.

Blueprint Genetics
Classification: Likely benign. Last evaluated: 2024-03-08. Review status: criteria provided, single submitter. Criteria: ACMG Guidelines, 2015. Collection method: clinical testing. Allele origin: germline.

CHEO Genetics Diagnostic Laboratory, Children's Hospital of Eastern Ontario
Classification: Benign for Cardiomyopathy. Last evaluated: 2023-03-20. Review status: criteria provided, single submitter. Criteria: ACMG Guidelines, 2015. Collection method: clinical testing. Allele origin: germline.

GeneDx
Classification: Likely benign. Last evaluated: 2020-07-08. Review status: criteria provided, single submitter. Criteria: GeneDx Variant Classification Process June 2021. Collection method: clinical testing. Allele origin: germline. Affected: yes.

Ambry Genetics
Classification: Benign for Cardiovascular phenotype. Last evaluated: 2020-03-25. Review status: criteria provided, single submitter. Criteria: Ambry Variant Classification Scheme 2023. Collection method: clinical testing. Allele origin: germline.

Eurofins Ntd Llc (ga)
Classification: Uncertain significance. Last evaluated: 2018-03-09. Review status: criteria provided, single submitter. Criteria: EGL ClinVar v180209 classification definitions. Collection method: clinical testing. Allele origin: germline. Observed: 1 variant allele, 1 heterozygote.

Laboratory for Molecular Medicine, Mass General Brigham Personalized Medicine
Classification: Uncertain significance. Last evaluated: 2014-03-21. Review status: criteria provided, single submitter. Criteria: LMM Criteria. Collection method: clinical testing. Allele origin: germline. Observed: 1 variant allele.
Comment: The Met4269Thr variant in TTN has not been previously reported in individuals wi th cardiomyopathy, but has been identified in 1/196 Iberian chromosomes by the 1 000 Genomes Project (dbSNP 191968963). Computational prediction tools suggest th at this variant may not impact the protein, though this information is not predi ctive enough to rule out pathogenicity. Additional information is needed to full y assess the clinical significance of the Met4269Thr variant.

Clinical Genetics DNA and cytogenetics Diagnostics Lab, Erasmus MC, Erasmus Medical Center
Classification: Uncertain significance. Review status: no assertion criteria provided. Collection method: clinical testing. Allele origin: germline. Affected: yes. Study: VKGL Data-share Consensus. Not counted in ClinVar's aggregate classification.

Laboratory of Diagnostic Genome Analysis, Leiden University Medical Center (LUMC)
Classification: Uncertain significance. Review status: no assertion criteria provided. Collection method: clinical testing. Allele origin: germline. Affected: yes. Study: VKGL Data-share Consensus. Not counted in ClinVar's aggregate classification.

NM_001267550.2(TTN):c.13520T>C (p.Met4507Thr)

Gene: TTN (titin; minus strand). Cytogenetic location: 2q31.2.
Variant type: single nucleotide variant.
Coding change: c.13520T>C on transcript NM_001267550.2 (MANE Select); coding-DNA position 13520, T replaced by C.
Protein change: p.Met4507Thr; replaces methionine 4507 with threonine.
Molecular consequence: missense variant. On other transcripts: intron variant (1).
Genome position (GRCh38, 1-based): chr2:178,739,713, A>G on the plus strand (T>C on the coding strand, the complement: TTN is on the minus strand). VCF-style: chr2-178739713-A-G. GRCh37 (hg19) VCF-style: chr2-179604440-A-G.
Other names: c.12431T>C, p.Met4144Thr (NM_003319.4); c.13007T>C, p.Met4336Thr (NM_133437.4); c.10361-1353T>C (NM_133378.4); c.12569T>C, p.Met4190Thr (NM_001256850.1); c.12806T>C, p.Met4269Thr (NM_133432.3); short protein forms M4269T, M4507T, M4190T, M4336T, M4144T.
Identifiers: ClinVar variation 179058 (VCV000179058.63), dbSNP rs191968963, ClinGen allele CA183646.
Genomic context (GRCh38, chr2:178,739,713, plus strand): 5'-TTAGATTCAACTTCTGGTTCAGTAATGGGTTCAACCTTCTGTGAACCTGAAAAAGAATCC[A>G]TTTCTTCTTGCAAACTTGTTTTGGCTCCTTGCTGAATTCTAGGACCCTCAGCTGTTAGGA-3'
Protein context (NP_001254479.2, residues 4497-4517): QGAKTSLQEE[Met4507Thr]DSFSGSQKVE